The following is an entry in ClinVar:

NM_144687.4(NLRP12):c.2579C>G (p.Thr860Ser)

Gene: NLRP12 (NLR family pyrin domain containing 12; minus strand). Cytogenetic location: 19q13.42.
Variant type: single nucleotide variant.
Coding change: c.2579C>G on transcript NM_144687.4 (MANE Select); coding-DNA position 2579, C replaced by G.
Protein change: p.Thr860Ser; replaces threonine 860 with serine.
Molecular consequence: missense variant.
Genome position (GRCh38, 1-based): chr19:53,803,958, G>C on the plus strand (C>G on the coding strand, the complement: NLRP12 is on the minus strand). VCF-style: chr19-53803958-G-C. GRCh37 (hg19) VCF-style: chr19-54307212-G-C.
Other names: c.2582C>G, p.Thr861Ser (NM_001277126.2); c.2579C>G, p.Thr860Ser (NM_001277129.1); c.2579C>G (NM_144687.2); short protein forms T861S, T860S.
Identifiers: ClinVar variation 330015 (VCV000330015.60), dbSNP rs150671525, ClinGen allele CA9639036.

ClinVar aggregate classification (germline): Conflicting classifications of pathogenicity. Review status: criteria provided, conflicting classifications (1 of 4 stars). 9 submissions from 9 submitters: Uncertain significance (1); Benign (2); Likely benign (5). 1 of the submissions does not count toward it. Last evaluated 2026-01-24.

Conditions:
Inborn genetic diseases. Identifiers: MedGen C0950123, MeSH D030342.
NLRP12-related disorder. Also called: NLRP12-related condition; NLRP12-related conditions.
Familial cold autoinflammatory syndrome 2 (FCAS2). Identifiers: Orphanet 247868, MedGen C2673198, MONDO:0012724, OMIM 611762.
Autoinflammatory syndrome. Identifiers: Orphanet 93665, MedGen C3890737, MONDO:0019751.

Allele frequency attached by ClinVar (database versions not stated): gnomAD exomes 0.00059 and 0.00077; TOPMed 0.00066; ExAC 0.00067; ESP Exome Variant Server 0.00069; gnomAD 0.00069 and 0.00070; 1000 Genomes Project 30x 0.00078; 1000 Genomes Project 0.00080.
gnomAD v4.1: 1,224 of 1,613,986 alleles (0.076%); highest among the groups gnomAD compares: Non-Finnish European, 0.093%; no homozygotes.

Submissions (9):

Labcorp Genetics (formerly Invitae), Labcorp
Classification: Likely benign for Familial cold autoinflammatory syndrome 2. Last evaluated: 2026-01-24. Review status: criteria provided, single submitter. Criteria: Invitae Variant Classification Sherloc (09022015). Collection method: clinical testing. Allele origin: germline.

ARUP Laboratories, Molecular Genetics and Genomics, ARUP Laboratories
Classification: Likely benign for Familial cold autoinflammatory syndrome 2. Last evaluated: 2025-04-21. Review status: criteria provided, single submitter. Criteria: ARUP Molecular Germline Variant Investigation Process 2024. Collection method: clinical testing. Allele origin: germline.

Laboratory of Genetics, Children's Clinical University Hospital Latvia
Classification: Benign. Last evaluated: 2025-02-16. Review status: criteria provided, single submitter. Criteria: ACMG Guidelines, 2015. Collection method: clinical testing. Allele origin: germline. Affected: yes.

Ambry Genetics
Classification: Uncertain significance for Inborn genetic diseases. Last evaluated: 2024-12-13. Review status: criteria provided, single submitter. Criteria: Ambry Variant Classification Scheme 2023. Collection method: clinical testing. Allele origin: germline.

Blueprint Genetics
Classification: Likely benign. Last evaluated: 2024-11-20. Review status: criteria provided, single submitter. Criteria: ACMG Guidelines, 2015. Collection method: clinical testing. Allele origin: germline.

CeGaT Center for Human Genetics Tuebingen
Classification: Likely benign. Last evaluated: 2024-11-01. Review status: criteria provided, single submitter. Criteria: CeGaT Center For Human Genetics Tuebingen Variant Classification Criteria Version 2. Collection method: clinical testing. Allele origin: germline. Affected: yes. Observed: 2 variant alleles.
Comment: NLRP12: BP4, BS1

Genome Diagnostics Laboratory, The Hospital for Sick Children
Classification: Likely benign for Autoinflammatory syndrome. Last evaluated: 2018-12-01. Review status: criteria provided, single submitter. Criteria: ACMG Guidelines, 2015. Collection method: clinical testing. Allele origin: germline. Affected: yes.

Illumina Laboratory Services, Illumina
Classification: Benign for Familial cold autoinflammatory syndrome 2. Last evaluated: 2018-01-13. Review status: criteria provided, single submitter. Criteria: ICSL Variant Classification Criteria 13 December 2019. Collection method: clinical testing. Allele origin: germline.
Comment: This variant was observed in the ICSL laboratory as part of a predisposition screen in an ostensibly healthy population. It had not been previously curated by ICSL or reported in the Human Gene Mutation Database (HGMD: prior to June 1st, 2018), and was therefore a candidate for classification through an automated scoring system. Utilizing variant allele frequency, disease prevalence and penetrance estimates, and inheritance mode, an automated score was calculated to assess if this variant is too frequent to cause the disease. Based on the score and internal cut-off values, a variant classified as benign is not then subjected to further curation. The score for this variant resulted in a classification of benign for this disease.

PreventionGenetics, part of Exact Sciences
Classification: Likely benign for NLRP12-related condition. Last evaluated: 2022-12-20. Review status: no assertion criteria provided. Collection method: clinical testing. Allele origin: germline. Not counted in ClinVar's aggregate classification.
Comment: This variant is classified as likely benign based on ACMG/AMP sequence variant interpretation guidelines (Richards et al. 2015 PMID: 25741868, with internal and published modifications).